The following is an entry in ClinVar:

ClinVar aggregate classification (germline): Uncertain significance. Review status: criteria provided, multiple submitters, no conflicts (2 of 4 stars). 2 submissions from 2 submitters: Uncertain significance (2). Last evaluated 2026-03-03.

Allele frequency attached by ClinVar (database versions not stated): gnomAD 0.00001; gnomAD exomes 0.00001 and 0.00003; ExAC 0.00002; TOPMed 0.00003.
gnomAD v4.1: 20 of 1,613,312 alleles (0.0012%); highest among the groups gnomAD compares: Admixed American, 0.0083%; no homozygotes.

Submissions (2):

Women's Health and Genetics/Laboratory Corporation of America, LabCorp
Classification: Uncertain significance. Last evaluated: 2026-03-03. Review status: criteria provided, single submitter. Criteria: LabCorp Variant Classification Summary - May 2015. Collection method: clinical testing. Allele origin: germline.

Labcorp Genetics (formerly Invitae), Labcorp
Classification: Uncertain significance. Last evaluated: 2023-11-13. Review status: criteria provided, single submitter. Criteria: Invitae Variant Classification Sherloc (09022015). Collection method: clinical testing. Allele origin: germline.
Comment: This sequence change falls in intron 30 of the OTOF gene. It does not directly change the encoded amino acid sequence of the OTOF protein. It affects a nucleotide within the consensus splice site. This variant is present in population databases (rs753010779, gnomAD 0.02%). This variant has not been reported in the literature in individuals affected with OTOF-related conditions. ClinVar contains an entry for this variant (Variation ID: 1440150). Variants that disrupt the consensus splice site are a relatively common cause of aberrant splicing (PMID: 17576681, 9536098). Algorithms developed to predict the effect of sequence changes on RNA splicing suggest that this variant may disrupt the consensus splice site. In summary, the available evidence is currently insufficient to determine the role of this variant in disease. Therefore, it has been classified as a Variant of Uncertain Significance.

Literature cited by the submitters: PubMed 17576681 (cited by Labcorp Genetics (formerly Invitae), Labcorp); PubMed 9536098 (cited by Labcorp Genetics (formerly Invitae), Labcorp).

NM_194248.3(OTOF):c.3864+3A>G

Gene: OTOF (otoferlin; minus strand). Cytogenetic location: 2p23.3.
Variant type: single nucleotide variant.
Coding change: c.3864+3A>G on transcript NM_194248.3 (MANE Select); 3 bases into the intron after coding-DNA position 3864, A replaced by G.
Molecular consequence: intron variant.
Genome position (GRCh38, 1-based): chr2:26,472,516, T>C on the plus strand (A>G on the coding strand, the complement: OTOF is on the minus strand). VCF-style: chr2-26472516-T-C. GRCh37 (hg19) VCF-style: chr2-26695384-T-C.
Other names: c.3864+3A>G (NM_001287489.2); c.1563+3A>G (NM_194323.3, NM_004802.4); c.1794+3A>G (NM_194322.3).
Identifiers: ClinVar variation 1440150 (VCV001440150.5), dbSNP rs753010779, ClinGen allele CA1563410.